The following is an entry in ClinVar:

ClinVar aggregate classification (germline): Uncertain significance (1 of 4 stars; one submission).

Submission:

Ambry Genetics
Classification: Uncertain significance. Last evaluated: 2022-10-17. Review status: criteria provided, single submitter. Criteria: Ambry Variant Classification Scheme 2023. Collection method: clinical testing. Allele origin: germline.
Comment: The p.A1232G variant (also known as c.3695C>G), located in coding exon 4 of the ALPK2 gene, results from a C to G substitution at nucleotide position 3695. The alanine at codon 1232 is replaced by glycine, an amino acid with similar properties. This amino acid position is conserved. In addition, this alteration is predicted to be tolerated by in silico analysis. Since supporting evidence is limited at this time, the clinical significance of this alteration remains unclear.

NM_052947.4(ALPK2):c.3695C>G (p.Ala1232Gly)

Genes: ALPK2 (alpha kinase 2; minus strand), LOC126862764 (BRD4-independent group 4 enhancer GRCh37_chr18:56202574-56203773; plus strand). Cytogenetic location: 18q21.31.
Variant type: single nucleotide variant.
Coding change: c.3695C>G on transcript NM_052947.4 (MANE Select); coding-DNA position 3695, C replaced by G.
Protein change: p.Ala1232Gly; replaces alanine 1232 with glycine.
Molecular consequence: missense variant.
Genome position (GRCh38, 1-based): chr18:58,536,492, G>C on the plus strand (C>G on the coding strand, the complement: ALPK2 is on the minus strand). VCF-style: chr18-58536492-G-C. GRCh37 (hg19) VCF-style: chr18-56203724-G-C.
Other names: short protein forms A1232G.
Identifiers: ClinVar variation 1733991 (VCV001733991.2), dbSNP rs1374774436, ClinGen allele CA402566017.